The following is an entry in ClinVar:

NM_000535.7(PMS2):c.1893G>A (p.Gln631=)

Gene: PMS2 (PMS1 homolog 2, mismatch repair system component; minus strand). Cytogenetic location: 7p22.1.
Variant type: single nucleotide variant.
Coding change: c.1893G>A on transcript NM_000535.7 (MANE Select); coding-DNA position 1893, G replaced by A.
Protein change: p.Gln631=; no amino-acid change (glutamine 631 retained).
Molecular consequence: synonymous variant. On other transcripts: non-coding transcript variant (1).
Genome position (GRCh38, 1-based): chr7:5,986,872, C>T on the plus strand (G>A on the coding strand, the complement: PMS2 is on the minus strand). VCF-style: chr7-5986872-C-T. GRCh37 (hg19) VCF-style: chr7-6026503-C-T.
Other names: c.1488G>A, p.Gln496= (NM_001322003.2, NM_001322004.2, NM_001322005.2 and 1 more transcripts); c.1737G>A, p.Gln579= (NM_001322006.2); c.1575G>A, p.Gln525= (NM_001322007.2, NM_001322008.2); c.1332G>A, p.Gln444= (NM_001322010.2); c.960G>A, p.Gln320= (NM_001322011.2, NM_001322012.2); c.1320G>A, p.Gln440= (NM_001322013.2); c.1893G>A, p.Gln631= (NM_001322014.2); c.1584G>A, p.Gln528= (NM_001322015.2).
Identifiers: ClinVar variation 392895 (VCV000392895.14), dbSNP rs1057524687, ClinGen allele CA16605239.

ClinVar aggregate classification (germline): Benign/Likely benign. Review status: criteria provided, multiple submitters, no conflicts (2 of 4 stars). 6 submissions from 6 submitters: Benign (1); Likely benign (5). Last evaluated 2025-11-03.

Conditions:
Hereditary nonpolyposis colorectal neoplasms. Identifiers: MedGen C0009405, MeSH D003123.
Lynch syndrome 4 (LYNCH4). Also called: Hereditary non-polyposis colorectal cancer, type 4; Colorectal cancer, hereditary nonpolyposis, type 4. Identifiers: Orphanet 144, MedGen C1838333, MONDO:0013699, OMIM 614337. Disease mechanism: loss of function.
Hereditary cancer-predisposing syndrome. Also called: Neoplastic Syndromes, Hereditary; Hereditary Cancer Syndrome; Tumor predisposition; Hereditary neoplastic syndrome. Identifiers: Orphanet 140162, MedGen C0027672, MeSH D009386, MONDO:0015356.

Allele frequency attached by ClinVar (database versions not stated): gnomAD exomes below 0.00001; TOPMed below 0.00001.
gnomAD v4.1: 1 of 1,614,062 alleles (0.000062%); highest among the groups gnomAD compares: Non-Finnish European, 0.000085%; no homozygotes.

Submissions (6):

Color Diagnostics, LLC DBA Color Health
Classification: Likely benign for Hereditary cancer-predisposing syndrome. Last evaluated: 2025-11-03. Review status: criteria provided, single submitter. Criteria: ACMG Guidelines, 2015. Collection method: clinical testing. Allele origin: germline.

Myriad Genetics, Inc.
Classification: Benign for Lynch syndrome 4. Last evaluated: 2025-01-31. Review status: criteria provided, single submitter. Criteria: Myriad Autosomal Dominant, Autosomal Recessive and X-Linked Classification Criteria (2023). Collection method: clinical testing. Allele origin: unknown.
Comment: This variant is considered benign. This variant is a silent/synonymous amino acid change and it is not expected to impact splicing.

Labcorp Genetics (formerly Invitae), Labcorp
Classification: Likely benign for Hereditary nonpolyposis colorectal neoplasms. Last evaluated: 2023-03-02. Review status: criteria provided, single submitter. Criteria: Invitae Variant Classification Sherloc (09022015). Collection method: clinical testing. Allele origin: germline.

Sema4
Classification: Likely benign for Hereditary cancer-predisposing syndrome. Last evaluated: 2021-11-23. Review status: criteria provided, single submitter. Criteria: Sema4 Curation Guidelines. Collection method: curation. Allele origin: germline.

Ambry Genetics
Classification: Likely benign for Hereditary cancer-predisposing syndrome. Last evaluated: 2020-09-01. Review status: criteria provided, single submitter. Criteria: Ambry Variant Classification Scheme 2023. Collection method: clinical testing. Allele origin: germline.

GeneDx
Classification: Likely benign. Last evaluated: 2017-01-13. Review status: criteria provided, single submitter. Criteria: GeneDx Variant Classification (06012015). Collection method: clinical testing. Allele origin: germline. Affected: yes.
Comment: This variant is considered likely benign or benign based on one or more of the following criteria: it is a conservative change, it occurs at a poorly conserved position in the protein, it is predicted to be benign by multiple in silico algorithms, and/or has population frequency not consistent with disease.